The following is an entry in ClinVar:

NM_024753.5(TTC21B):c.3149G>A (p.Arg1050Gln)

Gene: TTC21B (tetratricopeptide repeat domain 21B; minus strand). Cytogenetic location: 2q24.3.
Variant type: single nucleotide variant.
Coding change: c.3149G>A on transcript NM_024753.5 (MANE Select); coding-DNA position 3149, G replaced by A.
Protein change: p.Arg1050Gln; replaces arginine 1050 with glutamine.
Molecular consequence: missense variant.
Genome position (GRCh38, 1-based): chr2:165,890,593, C>T on the plus strand (G>A on the coding strand, the complement: TTC21B is on the minus strand). VCF-style: chr2-165890593-C-T. GRCh37 (hg19) VCF-style: chr2-166747103-C-T.
Other names: c.3149G>A (NM_024753.3, NM_024753.4); short protein forms R1050Q.
Identifiers: ClinVar variation 1505607 (VCV001505607.8), dbSNP rs144103331, ClinGen allele CA1941571.

ClinVar aggregate classification (germline): Uncertain significance. Review status: criteria provided, multiple submitters, no conflicts (2 of 4 stars). 4 submissions from 4 submitters: Uncertain significance (4). Last evaluated 2025-10-16.

Conditions:
Nephronophthisis. Also called: Juvenile Nephronophthisis. Identifiers: Orphanet 655, MedGen C0687120, MONDO:0019005, HP:0000090.
Jeune thoracic dystrophy. Also called: Short-rib thoracic dysplasia; Jeune syndrome; Infantile thoracic dystrophy; Thoracic pelvic phalangeal dystrophy; Jeune's syndrome; Chondroectodermal dysplasia-like syndrome. Identifiers: Orphanet 474, MedGen C0265275, MONDO:0018770.
TTC21B-related disorder. Also called: TTC21B-related condition; TTC21B-related disorders.
Inborn genetic diseases. Identifiers: MedGen C0950123, MeSH D030342.
Nephronophthisis 12 (NPHP12). Identifiers: Orphanet 655, MedGen C3151186, MONDO:0013442, OMIM 613820.
Asphyxiating thoracic dystrophy 4 (SRTD4). Also called: SHORT-RIB THORACIC DYSPLASIA 4 WITH OR WITHOUT POLYDACTYLY; SHORT-RIB THORACIC DYSPLASIA 4. Identifiers: Orphanet 474, MedGen C3151185, MONDO:0013441, OMIM 613819.

Allele frequency attached by ClinVar (database versions not stated): ESP Exome Variant Server 0.00008.
gnomAD v4.1: 26 of 1,613,584 alleles (0.0016%); highest among the groups gnomAD compares: South Asian, 0.0099%; 1 homozygote.

Submissions (4):

PreventionGenetics, part of Exact Sciences
Classification: Uncertain significance for TTC21B-related condition. Last evaluated: 2025-10-16. Review status: criteria provided, single submitter. Criteria: ACMG Guidelines, 2015. Collection method: clinical testing. Allele origin: germline.
Comment: The TTC21B c.3149G>A variant is predicted to result in the amino acid substitution p.Arg1050Gln. To our knowledge, this variant has not been reported in the literature. This variant is reported in 0.012% of alleles in individuals of African descent in gnomAD. At this time, the clinical significance of this variant is uncertain due to the absence of conclusive functional and genetic evidence.

Ambry Genetics
Classification: Uncertain significance for Inborn genetic diseases. Last evaluated: 2025-08-25. Review status: criteria provided, single submitter. Criteria: Ambry Variant Classification Scheme 2023. Collection method: clinical testing. Allele origin: germline.

Labcorp Genetics (formerly Invitae), Labcorp
Classification: Uncertain significance for Jeune thoracic dystrophy; Nephronophthisis. Last evaluated: 2025-04-07. Review status: criteria provided, single submitter. Criteria: Invitae Variant Classification Sherloc (09022015). Collection method: clinical testing. Allele origin: germline.
Comment: This sequence change replaces arginine, which is basic and polar, with glutamine, which is neutral and polar, at codon 1050 of the TTC21B protein (p.Arg1050Gln). This variant is present in population databases (rs144103331, gnomAD 0.01%). This variant has not been reported in the literature in individuals affected with TTC21B-related conditions. ClinVar contains an entry for this variant (Variation ID: 1505607). Invitae Evidence Modeling of protein sequence and biophysical properties (such as structural, functional, and spatial information, amino acid conservation, physicochemical variation, residue mobility, and thermodynamic stability) has been performed for this missense variant. However, the output from this modeling did not meet the statistical confidence thresholds required to predict the impact of this variant on TTC21B protein function. In summary, the available evidence is currently insufficient to determine the role of this variant in disease. Therefore, it has been classified as a Variant of Uncertain Significance.

Fulgent Genetics
Classification: Uncertain significance for Asphyxiating thoracic dystrophy 4; Nephronophthisis 12. Last evaluated: 2024-04-16. Review status: criteria provided, single submitter. Criteria: ACMG Guidelines, 2015. Collection method: clinical testing. Allele origin: germline.